The following is an entry in ClinVar:

NM_001377458.1(CLCC1):c.1127C>T (p.Pro376Leu)

Gene: CLCC1 (chloride channel CLIC like 1; minus strand). Cytogenetic location: 1p13.3.
Variant type: single nucleotide variant.
Coding change: c.1127C>T on transcript NM_001377458.1 (MANE Select); coding-DNA position 1127, C replaced by T.
Protein change: p.Pro376Leu; replaces proline 376 with leucine.
Molecular consequence: missense variant. On other transcripts: non-coding transcript variant (1).
Genome position (GRCh38, 1-based): chr1:108,937,333, G>A on the plus strand (C>T on the coding strand, the complement: CLCC1 is on the minus strand). VCF-style: chr1-108937333-G-A. GRCh37 (hg19) VCF-style: chr1-109479955-G-A.
Other names: c.1127C>T, p.Pro376Leu (NM_001048210.3, NM_001377459.1, NM_001377460.1 and 8 more transcripts); c.764C>T, p.Pro255Leu (NM_001278202.2); c.572C>T, p.Pro191Leu (NM_001278203.1); c.1025C>T, p.Pro342Leu (NM_001377469.1); c.836C>T, p.Pro279Leu (NM_001377470.1); c.977C>T, p.Pro326Leu (NM_015127.5); short protein forms P342L, P191L, P255L, P326L, P279L, P376L.
Identifiers: ClinVar variation 1445684 (VCV001445684.8), dbSNP rs759789548, ClinGen allele CA983389.
Genomic context (GRCh38, chr1:108,937,333, plus strand): 5'-GCATCACCTGCTCCACCATCAGGTCTATAATCAATTTCCTCCTGCCGTCTTCTATCCCGT[G>A]GCCGAAGTGCCTGGGGAGGTTCGCTCTCAGGACCGCCTATATGTCTCAGCACATGAACTG-3'
Protein context (NP_001364387.1, residues 366-386): PESEPPQALR[Pro376Leu]RDRRRQEEID

ClinVar aggregate classification (germline): Uncertain significance (1 of 4 stars; one submission).

Allele frequency attached by ClinVar (database versions not stated): TOPMed below 0.00001; ExAC 0.00001; gnomAD 0.00001; gnomAD exomes 0.00001.
gnomAD v4.1: 5 of 1,614,080 alleles (0.00031%); highest among the groups gnomAD compares: Non-Finnish European, 0.00042%; no homozygotes.

Submission:

Labcorp Genetics (formerly Invitae), Labcorp
Classification: Uncertain significance. Last evaluated: 2022-03-10. Review status: criteria provided, single submitter. Criteria: Invitae Variant Classification Sherloc (09022015). Collection method: clinical testing. Allele origin: germline.
Comment: In summary, the available evidence is currently insufficient to determine the role of this variant in disease. Therefore, it has been classified as a Variant of Uncertain Significance. Algorithms developed to predict the effect of missense changes on protein structure and function output the following: SIFT: "Deleterious"; PolyPhen-2: "Benign"; Align-GVGD: "Class C0". The leucine amino acid residue is found in multiple mammalian species, which suggests that this missense change does not adversely affect protein function. This variant has not been reported in the literature in individuals affected with CLCC1-related conditions. This variant is present in population databases (rs759789548, gnomAD 0.002%). This sequence change replaces proline, which is neutral and non-polar, with leucine, which is neutral and non-polar, at codon 376 of the CLCC1 protein (p.Pro376Leu).